The following is an entry in ClinVar:

NM_000069.3(CACNA1S):c.541+4G>T

Gene: CACNA1S (calcium voltage-gated channel subunit alpha1 S; minus strand). Cytogenetic location: 1q32.1.
Variant type: single nucleotide variant.
Coding change: c.541+4G>T on transcript NM_000069.3 (MANE Select); 4 bases into the intron after coding-DNA position 541, G replaced by T.
Molecular consequence: intron variant.
Genome position (GRCh38, 1-based): chr1:201,091,968, C>A on the plus strand (G>T on the coding strand, the complement: CACNA1S is on the minus strand). VCF-style: chr1-201091968-C-A. GRCh37 (hg19) VCF-style: chr1-201061096-C-A.
Identifiers: ClinVar variation 3386403 (VCV003386403.1).

ClinVar aggregate classification (germline): Uncertain significance (1 of 4 stars; one submission).

Conditions:
Malignant hyperthermia, susceptibility to, 5 (MHS5). Also called: CACNA1S-Related Malignant Hyperthermia Susceptibility. Identifiers: Orphanet 423, MedGen C1866077, MONDO:0011163, OMIM 601887.

gnomAD v4.1: 1 of 1,614,034 alleles (0.000062%); highest among the groups gnomAD compares: Middle Eastern, 0.017%; no homozygotes.

Submission:

All of Us Research Program, National Institutes of Health
Classification: Uncertain significance for Malignant hyperthermia, susceptibility to, 5. Last evaluated: 2024-08-06. Review status: criteria provided, single submitter. Criteria: ACMG Guidelines, 2015. Collection method: clinical testing. Allele origin: germline. Inheritance: Autosomal dominant inheritance. Observed: 2 variant alleles, 2 heterozygotes.
Comment: This variant causes a G to T nucleotide substitution at the +4 position of intron 4 of the CACNA1S gene. To our knowledge, functional studies have not been reported for this variant. This variant has not been reported in individuals affected with CACNA1S-related disorders in the literature. This variant has not been identified in the general population by the Genome Aggregation Database (gnomAD). The available evidence is insufficient to determine the role of this variant in disease conclusively. Therefore, this variant is classified as a Variant of Uncertain Significance.

This study involves interpretation of variants in research participants for the purpose of population health screening. Participant phenotype was not available at the time of variant classification. Additional details can be found in publication PMID: 35346344, PMCID: PMC8962531